The following is an entry in ClinVar:

NM_000355.4(TCN2):c.943A>G (p.Met315Val)

Gene: TCN2 (transcobalamin 2; plus strand). Cytogenetic location: 22q12.2.
Variant type: single nucleotide variant.
Coding change: c.943A>G on transcript NM_000355.4 (MANE Select); coding-DNA position 943, A replaced by G.
Protein change: p.Met315Val; replaces methionine 315 with valine.
Molecular consequence: missense variant.
Genome position (GRCh38, 1-based): chr22:30,617,332, A>G. VCF-style: chr22-30617332-A-G. GRCh37 (hg19) VCF-style: chr22-31013319-A-G.
Other names: c.862A>G, p.Met288Val (NM_001184726.2); short protein forms M288V, M315V.
Identifiers: ClinVar variation 3454289 (VCV003454289.2).

ClinVar aggregate classification (germline): Uncertain significance. Review status: criteria provided, multiple submitters, no conflicts (2 of 4 stars). 2 submissions from 2 submitters: Uncertain significance (2). Last evaluated 2025-05-18.

Conditions:
Transcobalamin II deficiency (TCN2D). Also called: Transcolabamin II deficiency; TC II DEFICIENCY; TCN2 DEFICIENCY. Identifiers: Orphanet 859, MedGen C0342701, MONDO:0010149, OMIM 275350.
Inborn genetic diseases. Identifiers: MedGen C0950123, MeSH D030342.

Submissions (2):

Labcorp Genetics (formerly Invitae), Labcorp
Classification: Uncertain significance for Transcobalamin II deficiency. Last evaluated: 2025-05-18. Review status: criteria provided, single submitter. Criteria: Invitae Variant Classification Sherloc (09022015). Collection method: clinical testing. Allele origin: germline.
Comment: This sequence change replaces methionine, which is neutral and non-polar, with valine, which is neutral and non-polar, at codon 315 of the TCN2 protein (p.Met315Val). This variant is present in population databases (rs763378428, gnomAD 0.003%). This variant has not been reported in the literature in individuals affected with TCN2-related conditions. ClinVar contains an entry for this variant (Variation ID: 3454289). An algorithm developed to predict the effect of missense changes on protein structure and function (PolyPhen-2) suggests that this variant is likely to be tolerated. In summary, the available evidence is currently insufficient to determine the role of this variant in disease. Therefore, it has been classified as a Variant of Uncertain Significance.

Ambry Genetics
Classification: Uncertain significance for Inborn genetic diseases. Last evaluated: 2024-10-25. Review status: criteria provided, single submitter. Criteria: Ambry Variant Classification Scheme 2023. Collection method: clinical testing. Allele origin: germline.